The following is an entry in ClinVar:

ClinVar aggregate classification (germline): Uncertain significance (1 of 4 stars; one submission).

Allele frequency attached by ClinVar (database versions not stated): gnomAD 0.00001; ExAC 0.00001; TOPMed 0.00002; gnomAD exomes 0.00001.
gnomAD v4.1: 10 of 1,613,924 alleles (0.00062%); highest among the groups gnomAD compares: Middle Eastern, 0.049%; no homozygotes.

Submission:

Labcorp Genetics (formerly Invitae), Labcorp
Classification: Uncertain significance. Last evaluated: 2025-12-21. Review status: criteria provided, single submitter. Criteria: Invitae Variant Classification Sherloc (09022015). Collection method: clinical testing. Allele origin: germline.
Comment: This sequence change replaces threonine, which is neutral and polar, with isoleucine, which is neutral and non-polar, at codon 1901 of the NIN protein (p.Thr1901Ile). This variant is present in population databases (rs755122150, gnomAD 0.01%). This variant has not been reported in the literature in individuals affected with NIN-related conditions. ClinVar contains an entry for this variant (Variation ID: 2978282). An algorithm developed to predict the effect of missense changes on protein structure and function outputs the following: PolyPhen-2: "Benign". The isoleucine amino acid residue is found in multiple mammalian species, which suggests that this missense change does not adversely affect protein function. In summary, the available evidence is currently insufficient to determine the role of this variant in disease. Therefore, it has been classified as a Variant of Uncertain Significance.

NM_020921.4(NIN):c.5702C>T (p.Thr1901Ile)

Gene: NIN (ninein; minus strand). Cytogenetic location: 14q22.1.
Variant type: single nucleotide variant.
Coding change: c.5702C>T on transcript NM_020921.4 (MANE Select); coding-DNA position 5702, C replaced by T.
Protein change: p.Thr1901Ile; replaces threonine 1901 with isoleucine.
Molecular consequence: missense variant.
Genome position (GRCh38, 1-based): chr14:50,738,213, G>A on the plus strand (C>T on the coding strand, the complement: NIN is on the minus strand). VCF-style: chr14-50738213-G-A. GRCh37 (hg19) VCF-style: chr14-51204931-G-A.
Other names: c.3563C>T, p.Thr1188Ile (NM_016350.5); c.5702C>T, p.Thr1901Ile (NM_182944.3, NM_182946.2); short protein forms T1901I, T1188I.
Identifiers: ClinVar variation 2978282 (VCV002978282.3), dbSNP rs755122150, ClinGen allele CA7181182.